The following is an entry in ClinVar:

NM_152490.5(B3GALNT2):c.1081A>G (p.Ile361Val)

Gene: B3GALNT2 (beta-1,3-N-acetylgalactosaminyltransferase 2; minus strand). Cytogenetic location: 1q42.3.
Variant type: single nucleotide variant.
Coding change: c.1081A>G on transcript NM_152490.5 (MANE Select); coding-DNA position 1081, A replaced by G.
Protein change: p.Ile361Val; replaces isoleucine 361 with valine.
Molecular consequence: missense variant.
Genome position (GRCh38, 1-based): chr1:235,455,629, T>C on the plus strand (A>G on the coding strand, the complement: B3GALNT2 is on the minus strand). VCF-style: chr1-235455629-T-C. GRCh37 (hg19) VCF-style: chr1-235618941-T-C.
Other names: short protein forms I361V.
Identifiers: ClinVar variation 1486329 (VCV001486329.6), dbSNP rs1470669806, ClinGen allele CA344957924.
Genomic context (GRCh38, chr1:235,455,629, plus strand): 5'-AAAAATTAGGCCCATCCAGATTCTTTTGGACAATCCTATTAAATACAGCTTCGAGGTCTA[T>C]GTAACAGTCATCATCTGTCTTCAGCAACAAATTGAAGCTCGTTGTTTCCACAGTCCTGTT-3'
Protein context (NP_689703.1, residues 351-371): LLLKTDDDCY[Ile361Val]DLEAVFNRIV

ClinVar aggregate classification (germline): Uncertain significance (1 of 4 stars; one submission).

Conditions:
Muscular dystrophy-dystroglycanopathy (congenital with brain and eye anomalies), type a, 11 (MDDGA11). Also called: Congenital muscular dystrophy-dystroglycanopathy with brain and eye anomalies, type A11; WALKER-WARBURG SYNDROME OR MUSCLE-EYE-BRAIN DISEASE, B3GALNT2-RELATED; Muscular dystrophy-dystroglycanopathy (congenital with brain and eye anomalies, type A, 11. Identifiers: Orphanet 588, Orphanet 899, MedGen C3554638, MONDO:0014071, OMIM 615181.

Allele frequency attached by ClinVar (database versions not stated): gnomAD 0.00001.
gnomAD v4.1: 3 of 1,604,550 alleles (0.00019%); highest among the groups gnomAD compares: African/African-American, 0.0027%; no homozygotes.

Submission:

Labcorp Genetics (formerly Invitae), Labcorp
Classification: Uncertain significance for Muscular dystrophy-dystroglycanopathy (congenital with brain and eye anomalies), type a, 11. Last evaluated: 2021-12-10. Review status: criteria provided, single submitter. Criteria: Invitae Variant Classification Sherloc (09022015). Collection method: clinical testing. Allele origin: germline.
Comment: This sequence change replaces isoleucine, which is neutral and non-polar, with valine, which is neutral and non-polar, at codon 361 of the B3GALNT2 protein (p.Ile361Val). This variant is not present in population databases (gnomAD no frequency). This variant has not been reported in the literature in individuals affected with B3GALNT2-related conditions. Algorithms developed to predict the effect of missense changes on protein structure and function output the following: SIFT: "Tolerated"; PolyPhen-2: "Benign"; Align-GVGD: "Class C0". The valine amino acid residue is found in multiple mammalian species, which suggests that this missense change does not adversely affect protein function. In summary, the available evidence is currently insufficient to determine the role of this variant in disease. Therefore, it has been classified as a Variant of Uncertain Significance.